The following is an entry in ClinVar:

ClinVar aggregate classification (germline): Uncertain significance (1 of 4 stars; one submission).

Allele frequency attached by ClinVar (database versions not stated): gnomAD exomes 0.00001; ExAC 0.00002; gnomAD 0.00003; ESP Exome Variant Server 0.00008.
gnomAD v4.1: 23 of 1,611,286 alleles (0.0014%); highest among the groups gnomAD compares: African/African-American, 0.0095%; no homozygotes.

Submission:

Labcorp Genetics (formerly Invitae), Labcorp
Classification: Uncertain significance. Last evaluated: 2022-03-13. Review status: criteria provided, single submitter. Criteria: Invitae Variant Classification Sherloc (09022015). Collection method: clinical testing. Allele origin: germline.
Comment: In summary, the available evidence is currently insufficient to determine the role of this variant in disease. Therefore, it has been classified as a Variant of Uncertain Significance. Algorithms developed to predict the effect of missense changes on protein structure and function are either unavailable or do not agree on the potential impact of this missense change (SIFT: "Deleterious"; PolyPhen-2: "Probably Damaging"; Align-GVGD: "Class C15"). This variant has not been reported in the literature in individuals affected with NUP205-related conditions. This variant is present in population databases (rs372202453, gnomAD 0.007%). This sequence change replaces arginine, which is basic and polar, with cysteine, which is neutral and slightly polar, at codon 1617 of the NUP205 protein (p.Arg1617Cys).

NM_015135.3(NUP205):c.4849C>T (p.Arg1617Cys)

Gene: NUP205 (nucleoporin 205; plus strand). Cytogenetic location: 7q33.
Variant type: single nucleotide variant.
Coding change: c.4849C>T on transcript NM_015135.3 (MANE Select); coding-DNA position 4849, C replaced by T.
Protein change: p.Arg1617Cys; replaces arginine 1617 with cysteine.
Molecular consequence: missense variant.
Genome position (GRCh38, 1-based): chr7:135,628,028, C>T. VCF-style: chr7-135628028-C-T. GRCh37 (hg19) VCF-style: chr7-135312776-C-T.
Other names: c.3775C>T, p.Arg1259Cys (NM_001329434.2); short protein forms R1617C, R1259C.
Identifiers: ClinVar variation 2151164 (VCV002151164.2), dbSNP rs372202453, ClinGen allele CA4499002.